The following is an entry in ClinVar:

NM_000321.3(RB1):c.2490-1G>T

Gene: RB1 (RB transcriptional corepressor 1; plus strand). Cytogenetic location: 13q14.2.
Variant type: single nucleotide variant.
Coding change: c.2490-1G>T on transcript NM_000321.3 (MANE Select); the canonical splice acceptor site of the intron before coding-DNA position 2490, G replaced by T.
Molecular consequence: splice acceptor variant.
Genome position (GRCh38, 1-based): chr13:48,473,359, G>T. VCF-style: chr13-48473359-G-T. GRCh37 (hg19) VCF-style: chr13-49047495-G-T.
Other names: c.2490-1G>T (NM_001407165.1).
Identifiers: ClinVar variation 4884446 (VCV004884446.1).

ClinVar aggregate classification (germline): Pathogenic (1 of 4 stars; one submission).

Conditions:
Retinoblastoma (RB1). Also called: RETINOBLASTOMA, SOMATIC. Identifiers: Orphanet 790, MedGen C0035335, MeSH D012175, MONDO:0008380, OMIM 180200, HP:0009919. Disease mechanism: loss of function. Inheritance: Both sporadic and heritable forms are tested..

Submission:

Diller/Parad Lab, Dana-Farber/Harvard Cancer Center
Classification: Pathogenic for Retinoblastoma. Last evaluated: 2026-05-29. Review status: criteria provided, single submitter. Criteria: ACMG Guidelines, 2015. Collection method: research. Allele origin: germline. Affected: yes.
Comment: It has been classified as Pathogenic using Richards et al (PMID:25741868) based on the following evidence codes: PM2, PVS1, PP3.